The following is an entry in ClinVar:

ClinVar aggregate classification (germline): Uncertain significance. Review status: criteria provided, multiple submitters, no conflicts (2 of 4 stars). 3 submissions from 3 submitters: Uncertain significance (2). 1 of the submissions does not count toward it. Last evaluated 2023-01-24.

Conditions:
Inborn genetic diseases. Identifiers: MedGen C0950123, MeSH D030342.
Autosomal recessive polycystic kidney disease (ARPKD). Also called: AR polycystic kidney disease. Identifiers: Orphanet 731, Orphanet 8378, MedGen C0085548, MeSH D017044, MONDO:0009889.

Allele frequency attached by ClinVar (database versions not stated): TOPMed below 0.00001.

Submissions (3):

Ambry Genetics
Classification: Uncertain significance for Inborn genetic diseases. Last evaluated: 2023-01-24. Review status: criteria provided, single submitter. Criteria: Ambry Variant Classification Scheme 2023. Collection method: clinical testing. Allele origin: germline.

Labcorp Genetics (formerly Invitae), Labcorp
Classification: Uncertain significance for Autosomal recessive polycystic kidney disease. Last evaluated: 2022-01-19. Review status: criteria provided, single submitter. Criteria: Invitae Variant Classification Sherloc (09022015). Collection method: clinical testing. Allele origin: germline.
Comment: This sequence change replaces asparagine, which is neutral and polar, with serine, which is neutral and polar, at codon 2753 of the PKHD1 protein (p.Asn2753Ser). This variant is not present in population databases (gnomAD no frequency). This variant has not been reported in the literature in individuals affected with PKHD1-related conditions. ClinVar contains an entry for this variant (Variation ID: 1040237). Advanced modeling of protein sequence and biophysical properties (such as structural, functional, and spatial information, amino acid conservation, physicochemical variation, residue mobility, and thermodynamic stability) performed at Invitae indicates that this missense variant is not expected to disrupt PKHD1 protein function. In summary, the available evidence is currently insufficient to determine the role of this variant in disease. Therefore, it has been classified as a Variant of Uncertain Significance.

Natera, Inc.
Classification: Uncertain significance for Autosomal recessive polycystic kidney disease. Last evaluated: 2019-02-05. Review status: no assertion criteria provided. Collection method: clinical testing. Allele origin: germline. Not counted in ClinVar's aggregate classification.

NM_138694.4(PKHD1):c.8258A>G (p.Asn2753Ser)

Gene: PKHD1 (PKHD1 ciliary IPT domain containing fibrocystin/polyductin; minus strand). Cytogenetic location: 6p12.2.
Variant type: single nucleotide variant.
Coding change: c.8258A>G on transcript NM_138694.4 (MANE Select); coding-DNA position 8258, A replaced by G.
Protein change: p.Asn2753Ser; replaces asparagine 2753 with serine.
Molecular consequence: missense variant.
Genome position (GRCh38, 1-based): chr6:51,830,905, T>C on the plus strand (A>G on the coding strand, the complement: PKHD1 is on the minus strand). VCF-style: chr6-51830905-T-C. GRCh37 (hg19) VCF-style: chr6-51695703-T-C.
Other names: c.8258A>G (NM_138694.3); c.8258A>G, p.Asn2753Ser (NM_170724.3); short protein forms N2753S.
Identifiers: ClinVar variation 1040237 (VCV001040237.12), dbSNP rs749313015, ClinGen allele CA138905219.